The following is an entry in ClinVar:

NM_001080476.3(GRXCR1):c.753C>T (p.Ser251=)

Gene: GRXCR1 (glutaredoxin and cysteine rich domain containing 1; plus strand). Cytogenetic location: 4p13.
Variant type: single nucleotide variant.
Coding change: c.753C>T on transcript NM_001080476.3 (MANE Select); coding-DNA position 753, C replaced by T.
Protein change: p.Ser251=; no amino-acid change (serine 251 retained).
Molecular consequence: synonymous variant.
Genome position (GRCh38, 1-based): chr4:43,030,420, C>T. VCF-style: chr4-43030420-C-T. GRCh37 (hg19) VCF-style: chr4-43032437-C-T.
Identifiers: ClinVar variation 287166 (VCV000287166.12), dbSNP rs374667597, ClinGen allele CA2904525.

ClinVar aggregate classification (germline): Benign/Likely benign. Review status: criteria provided, multiple submitters, no conflicts (2 of 4 stars). 3 submissions from 3 submitters: Benign (2); Likely benign (1). Last evaluated 2024-05-31.

Allele frequency attached by ClinVar (database versions not stated): gnomAD exomes 0.00007 and 0.00026; ESP Exome Variant Server 0.00008; gnomAD 0.00012; TOPMed 0.00015; 1000 Genomes Project 0.00020; 1000 Genomes Project 30x 0.00031; ExAC 0.00034.
gnomAD v4.1: 118 of 1,613,992 alleles (0.0073%); highest among the groups gnomAD compares: East Asian, 0.17%; no homozygotes.

Submissions (3):

Labcorp Genetics (formerly Invitae), Labcorp
Classification: Benign. Last evaluated: 2024-05-31. Review status: criteria provided, single submitter. Criteria: Invitae Variant Classification Sherloc (09022015). Collection method: clinical testing. Allele origin: germline.

Laboratory for Molecular Medicine, Mass General Brigham Personalized Medicine
Classification: Benign. Last evaluated: 2016-06-06. Review status: criteria provided, single submitter. Criteria: LMM Criteria. Collection method: clinical testing. Allele origin: germline. Observed: 1 variant allele.
Comment: p.Ser251Ser in exon 4 of GRXCR1: This variant is not expected to have clinical s ignificance because it does not alter an amino acid residue, it is not located w ithin the splice consensus sequence, and it has been identified in 0.4% (37/8616 ) of East Asian chromosomes by the Exome Aggregation Consortium (ExAC; dbSNP rs374667597).

Eurofins Ntd Llc (ga)
Classification: Likely benign. Last evaluated: 2016-05-03. Review status: criteria provided, single submitter. Criteria: EGL Classification Definitions 2015. Collection method: clinical testing. Allele origin: germline. Observed: 1 variant allele, 1 heterozygote.